The following is an entry in ClinVar:

ClinVar aggregate classification (germline): Uncertain significance (1 of 4 stars; one submission).

Allele frequency attached by ClinVar (database versions not stated): gnomAD 0.00001; ExAC 0.00002; gnomAD exomes 0.00002; TOPMed 0.00002.
gnomAD v4.1: 38 of 1,613,976 alleles (0.0024%); highest among the groups gnomAD compares: Non-Finnish European, 0.0031%; no homozygotes.

Submission:

Labcorp Genetics (formerly Invitae), Labcorp
Classification: Uncertain significance. Last evaluated: 2022-06-22. Review status: criteria provided, single submitter. Criteria: Invitae Variant Classification Sherloc (09022015). Collection method: clinical testing. Allele origin: germline.
Comment: In summary, the available evidence is currently insufficient to determine the role of this variant in disease. Therefore, it has been classified as a Variant of Uncertain Significance. Algorithms developed to predict the effect of sequence changes on RNA splicing suggest that this variant may create or strengthen a splice site. This variant has not been reported in the literature in individuals affected with GRM6-related conditions. This variant is present in population databases (rs758802878, gnomAD 0.002%). This sequence change affects codon 348 of the GRM6 mRNA. It is a 'silent' change, meaning that it does not change the encoded amino acid sequence of the GRM6 protein.

NM_000843.4(GRM6):c.1044G>A (p.Leu348=)

Genes: GRM6 (glutamate metabotropic receptor 6; minus strand), ZNF454 (zinc finger protein 454; plus strand). Cytogenetic location: 5q35.3.
Variant type: single nucleotide variant.
Coding change: c.1044G>A on transcript NM_000843.4 (MANE Select); coding-DNA position 1044, G replaced by A.
Protein change: p.Leu348=; no amino-acid change (leucine 348 retained).
Molecular consequence: synonymous variant.
Genome position (GRCh38, 1-based): chr5:178,989,374, C>T on the plus strand (G>A on the coding strand, the complement: GRM6 is on the minus strand). VCF-style: chr5-178989374-C-T. GRCh37 (hg19) VCF-style: chr5-178416375-C-T.
Identifiers: ClinVar variation 2089061 (VCV002089061.4), dbSNP rs758802878, ClinGen allele CA3594248.